The following is an entry in ClinVar:

ClinVar aggregate classification (germline): Uncertain significance (1 of 4 stars; one submission).

Conditions:
Syndromic multisystem autoimmune disease due to ITCH deficiency. Also called: AUTOIMMUNE DISEASE, MULTISYSTEM, WITH FACIAL DYSMORPHISM. Identifiers: Orphanet 228426, MedGen C3150649, MONDO:0013245, OMIM 613385.

Allele frequency attached by ClinVar (database versions not stated): gnomAD exomes below 0.00001; TOPMed below 0.00001; ExAC 0.00001.

Submission:

Labcorp Genetics (formerly Invitae), Labcorp
Classification: Uncertain significance for Syndromic multisystem autoimmune disease due to ITCH deficiency. Last evaluated: 2023-06-28. Review status: criteria provided, single submitter. Criteria: Invitae Variant Classification Sherloc (09022015). Collection method: clinical testing. Allele origin: germline.
Comment: This sequence change replaces serine, which is neutral and polar, with leucine, which is neutral and non-polar, at codon 201 of the ITCH protein (p.Ser201Leu). This variant is present in population databases (rs777388999, gnomAD 0.003%). This variant has not been reported in the literature in individuals affected with ITCH-related conditions. An algorithm developed to predict the effect of missense changes on protein structure and function (PolyPhen-2) suggests that this variant is likely to be tolerated. In summary, the available evidence is currently insufficient to determine the role of this variant in disease. Therefore, it has been classified as a Variant of Uncertain Significance.

NM_031483.7(ITCH):c.602C>T (p.Ser201Leu)

Gene: ITCH (itchy E3 ubiquitin protein ligase; plus strand). Cytogenetic location: 20q11.22.
Variant type: single nucleotide variant.
Coding change: c.602C>T on transcript NM_031483.7 (MANE Select); coding-DNA position 602, C replaced by T.
Protein change: p.Ser201Leu; replaces serine 201 with leucine.
Molecular consequence: missense variant.
Genome position (GRCh38, 1-based): chr20:34,438,554, C>T. VCF-style: chr20-34438554-C-T. GRCh37 (hg19) VCF-style: chr20-33026359-C-T.
Other names: c.725C>T, p.Ser242Leu (NM_001257137.3, NM_001324197.2); c.272C>T, p.Ser91Leu (NM_001257138.3); c.602C>T, p.Ser201Leu (NM_001324198.2); short protein forms S242L, S201L, S91L.
Identifiers: ClinVar variation 3004345 (VCV003004345.3), dbSNP rs777388999, ClinGen allele CA9821378.